The following is an entry in ClinVar:

ClinVar aggregate classification (germline): Uncertain significance (1 of 4 stars; one submission).

gnomAD v4.1: 2 of 1,614,176 alleles (0.00012%); no homozygotes.

Submission:

Women's Health and Genetics/Laboratory Corporation of America, LabCorp
Classification: Uncertain significance. Last evaluated: 2022-05-18. Review status: criteria provided, single submitter. Criteria: LabCorp Variant Classification Summary - May 2015. Collection method: clinical testing. Allele origin: germline.
Comment: Variant summary: COL4A3 c.1617A>C (p.Glu539Asp) results in a conservative amino acid change in the encoded protein sequence. Five of five in-silico tools predict a benign effect of the variant on protein function. The variant was absent in 249532 control chromosomes. The available data on variant occurrences in the general population are insufficient to allow any conclusion about variant significance. To our knowledge, no occurrence of c.1617A>C in individuals affected with Alport Syndrome, Autosomal Recessive and no experimental evidence demonstrating its impact on protein function have been reported. No clinical diagnostic laboratories have submitted clinical-significance assessments for this variant to ClinVar after 2014. Based on the evidence outlined above, the variant was classified as uncertain significance.

NM_000091.5(COL4A3):c.1617A>C (p.Glu539Asp)

Genes: COL4A3 (collagen type IV alpha 3 chain; plus strand), MFF-DT (MFF divergent transcript; minus strand). Cytogenetic location: 2q36.3.
Variant type: single nucleotide variant.
Coding change: c.1617A>C on transcript NM_000091.5 (MANE Select); coding-DNA position 1617, A replaced by C.
Protein change: p.Glu539Asp; replaces glutamic acid 539 with aspartic acid.
Molecular consequence: missense variant.
Genome position (GRCh38, 1-based): chr2:227,270,811, A>C. VCF-style: chr2-227270811-A-C. GRCh37 (hg19) VCF-style: chr2-228135527-A-C.
Other names: short protein forms E539D.
Identifiers: ClinVar variation 1696078 (VCV001696078.1), dbSNP rs2071190170, ClinGen allele CA350871624.